The following is an entry in ClinVar:

NM_004863.4(SPTLC2):c.*4037G>A

Gene: SPTLC2 (serine palmitoyltransferase long chain base subunit 2; minus strand). Cytogenetic location: 14q24.3.
Variant type: single nucleotide variant.
Coding change: c.*4037G>A on transcript NM_004863.4 (MANE Select); 4037 bases downstream of the stop codon, G replaced by A.
Molecular consequence: 3 prime UTR variant.
Genome position (GRCh38, 1-based): chr14:77,508,247, C>T on the plus strand (G>A on the coding strand, the complement: SPTLC2 is on the minus strand). VCF-style: chr14-77508247-C-T. GRCh37 (hg19) VCF-style: chr14-77974590-C-T.
Identifiers: ClinVar variation 314597 (VCV000314597.5), dbSNP rs144430502, ClinGen allele CA10645064.

ClinVar aggregate classification (germline): Benign (1 of 4 stars; one submission).

Conditions:
Neuropathy, hereditary sensory and autonomic, type 1C. Also called: HSAN IC; HSN IC. Identifiers: Orphanet 36386, MedGen C3150896, MONDO:0013337, OMIM 613640.

Allele frequency attached by ClinVar (database versions not stated): gnomAD 0.00022 and 0.00038; TOPMed 0.00051; 1000 Genomes Project 30x 0.00219; 1000 Genomes Project 0.00260.

Submission:

Illumina Laboratory Services, Illumina
Classification: Benign for Neuropathy, hereditary sensory and autonomic, type 1C. Last evaluated: 2018-01-13. Review status: criteria provided, single submitter. Criteria: ICSL Variant Classification Criteria 13 December 2019. Collection method: clinical testing. Allele origin: germline.
Comment: This variant was observed in the ICSL laboratory as part of a predisposition screen in an ostensibly healthy population. It had not been previously curated by ICSL or reported in the Human Gene Mutation Database (HGMD: prior to June 1st, 2018), and was therefore a candidate for classification through an automated scoring system. Utilizing variant allele frequency, disease prevalence and penetrance estimates, and inheritance mode, an automated score was calculated to assess if this variant is too frequent to cause the disease. Based on the score and internal cut-off values, a variant classified as benign is not then subjected to further curation. The score for this variant resulted in a classification of benign for this disease.